The following is an entry in ClinVar:

NM_182931.3(KMT2E):c.5475A>G (p.Gln1825=)

Gene: KMT2E (lysine methyltransferase 2E (inactive); plus strand). Cytogenetic location: 7q22.3.
Variant type: single nucleotide variant.
Coding change: c.5475A>G on transcript NM_182931.3 (MANE Select); coding-DNA position 5475, A replaced by G.
Protein change: p.Gln1825=; no amino-acid change (glutamine 1825 retained).
Molecular consequence: synonymous variant.
Genome position (GRCh38, 1-based): chr7:105,113,231, A>G. VCF-style: chr7-105113231-A-G. GRCh37 (hg19) VCF-style: chr7-104753678-A-G.
Other names: c.5349A>G, p.Gln1783= (NM_001410908.1); c.5475A>G, p.Gln1825= (NM_018682.4); c.5475A>G (NM_182931.2).
Identifiers: ClinVar variation 1975734 (VCV001975734.6), dbSNP rs761757960, ClinGen allele CA4424990.

ClinVar aggregate classification (germline): Benign/Likely benign. Review status: criteria provided, multiple submitters, no conflicts (2 of 4 stars). 2 submissions from 2 submitters: Benign (1); Likely benign (1). Last evaluated 2025-06-25.

Conditions:
KMT2E-related disorder. Also called: KMT2E-related condition.

Allele frequency attached by ClinVar (database versions not stated): TOPMed below 0.00001; gnomAD 0.00003; gnomAD exomes 0.00006; ExAC 0.00012.
gnomAD v4.1: 96 of 1,614,110 alleles (0.0059%); highest among the groups gnomAD compares: South Asian, 0.09%; no homozygotes.

Submissions (2):

PreventionGenetics, part of Exact Sciences
Classification: Likely benign for KMT2E-related condition. Last evaluated: 2025-06-25. Review status: criteria provided, single submitter. Criteria: ACMG Guidelines, 2015. Collection method: clinical testing. Allele origin: germline.
Comment: This variant is classified as likely benign based on ACMG/AMP sequence variant interpretation guidelines (Richards et al. 2015 PMID: 25741868, with internal and published modifications).

Labcorp Genetics (formerly Invitae), Labcorp
Classification: Benign. Last evaluated: 2025-03-17. Review status: criteria provided, single submitter. Criteria: Invitae Variant Classification Sherloc (09022015). Collection method: clinical testing. Allele origin: germline.